The following is an entry in ClinVar:

ClinVar aggregate classification (germline): Uncertain significance (1 of 4 stars; one submission).

Submission:

GeneDx
Classification: Uncertain significance. Last evaluated: 2022-07-13. Review status: criteria provided, single submitter. Criteria: GeneDx Variant Classification Process June 2021. Collection method: clinical testing. Allele origin: germline. Affected: yes.
Comment: Not observed at significant frequency in large population cohorts (gnomAD); In silico analysis supports that this missense variant does not alter protein structure/function; Has not been previously published as pathogenic or benign to our knowledge

NM_001170535.3(ATAD3A):c.229C>A (p.Leu77Met)

Gene: ATAD3A (ATPase family AAA domain containing 3A; plus strand). Cytogenetic location: 1p36.33.
Variant type: single nucleotide variant.
Coding change: c.229C>A on transcript NM_001170535.3 (MANE Select); coding-DNA position 229, C replaced by A.
Protein change: p.Leu77Met; replaces leucine 77 with methionine.
Molecular consequence: missense variant. On other transcripts: 5 prime UTR variant (1).
Genome position (GRCh38, 1-based): chr1:1,516,035, C>A. VCF-style: chr1-1516035-C-A. GRCh37 (hg19) VCF-style: chr1-1451415-C-A.
Other names: c.-9C>A (NM_001170536.3); c.229C>A, p.Leu77Met (NM_018188.5); short protein forms L77M.
Identifiers: ClinVar variation 1878764 (VCV001878764.1), dbSNP rs138594222, ClinGen allele CA337848645.